The following is an entry in ClinVar:

NM_020778.5(ALPK3):c.4882C>G (p.Pro1628Ala)

Gene: ALPK3 (alpha kinase 3; plus strand). Cytogenetic location: 15q25.3.
Variant type: single nucleotide variant.
Coding change: c.4882C>G on transcript NM_020778.5 (MANE Select); coding-DNA position 4882, C replaced by G.
Protein change: p.Pro1628Ala; replaces proline 1628 with alanine.
Molecular consequence: missense variant.
Genome position (GRCh38, 1-based): chr15:84,868,220, C>G. VCF-style: chr15-84868220-C-G. GRCh37 (hg19) VCF-style: chr15-85411451-C-G.
Other names: short protein forms P1628A.
Identifiers: ClinVar variation 5021565 (VCV005021565.1).

ClinVar aggregate classification (germline): Uncertain significance (1 of 4 stars; one submission).

Conditions:
Cardiovascular phenotype. Identifiers: MedGen CN230736.

Submission:

Ambry Genetics
Classification: Uncertain significance for Cardiovascular phenotype. Last evaluated: 2026-09-12. Review status: criteria provided, single submitter. Criteria: Ambry Variant Classification Scheme 2023. Collection method: clinical testing. Allele origin: germline.
Comment: The p.P1830A variant (also known as c.5488C>G), located in coding exon 14 of the ALPK3 gene, results from a C to G substitution at nucleotide position 5488. The proline at codon 1830 is replaced by alanine, an amino acid with highly similar properties. This amino acid position is conserved. In addition, this alteration is predicted to be tolerated by in silico analysis. Based on the available evidence, the clinical significance of this variant remains unclear.